The following is an entry in ClinVar:

NM_006852.6(TLK2):c.386A>G (p.Tyr129Cys)

Gene: TLK2 (tousled like kinase 2; plus strand). Cytogenetic location: 17q23.2.
Variant type: single nucleotide variant.
Coding change: c.386A>G on transcript NM_006852.6 (MANE Select); coding-DNA position 386, A replaced by G.
Protein change: p.Tyr129Cys; replaces tyrosine 129 with cysteine.
Molecular consequence: missense variant. On other transcripts: 5 prime UTR variant (2).
Genome position (GRCh38, 1-based): chr17:62,536,192, A>G. VCF-style: chr17-62536192-A-G. GRCh37 (hg19) VCF-style: chr17-60613553-A-G.
Other names: c.386A>G, p.Tyr129Cys (NM_001284333.3, NM_001375270.1, NM_001375271.1 and 1 more transcripts); c.290A>G, p.Tyr97Cys (NM_001284363.1, NM_001375272.1, NM_001411074.1 and 2 more transcripts); c.-62A>G (NM_001330418.3, NM_001375273.1); c.428A>G, p.Tyr143Cys (NM_001375269.1); short protein forms Y143C, Y129C, Y97C.
Identifiers: ClinVar variation 4828977 (VCV004828977.3).

ClinVar aggregate classification (germline): Uncertain significance. Review status: criteria provided, multiple submitters, no conflicts (2 of 4 stars). 2 submissions from 2 submitters: Uncertain significance (2). Last evaluated 2026-01-21.

Conditions:
Inborn genetic diseases. Identifiers: MedGen C0950123, MeSH D030342.

Submissions (2):

Ambry Genetics
Classification: Uncertain significance for Inborn genetic diseases. Last evaluated: 2026-01-21. Review status: criteria provided, single submitter. Criteria: Ambry Variant Classification Scheme 2023. Collection method: clinical testing. Allele origin: germline.
Comment: The c.386A>G (p.Y129C) alteration is located in exon 7 (coding exon 6) of the TLK2 gene. This alteration results from a A to G substitution at nucleotide position 386, causing the tyrosine (Y) at amino acid position 129 to be replaced by a cysteine (C). Based on data from gnomAD, the G allele has an overall frequency of <0.001% (1/250184) total alleles studied. The highest observed frequency was 0.005% (1/18372) of East Asian alleles. Based on insufficient or conflicting evidence, the clinical significance of this alteration remains unclear.

Dasa
Classification: Uncertain significance. Last evaluated: 2025-01-09. Review status: criteria provided, single submitter. Criteria: DASA Assertion Criteria. Collection method: clinical testing. Allele origin: germline.
Comment: NM_006852.6(TLK2):c.386A>G (p.Tyr129Cys) is a missense variant that results in the substitution of tyrosine with cysteine. This variant is rare in population databases. Computational prediction algorithms are consistent with a benign effect. The currently available literature and clinical evidence are not sufficient to establish a definitive association between this variant and the reported condition. Therefore, this variant is classified as a variant of uncertain significance.